The following is an entry in ClinVar:

NM_198578.4(LRRK2):c.7438A>G (p.Thr2480Ala)

Gene: LRRK2 (leucine rich repeat kinase 2; plus strand). Cytogenetic location: 12q12.
Variant type: single nucleotide variant.
Coding change: c.7438A>G on transcript NM_198578.4 (MANE Select); coding-DNA position 7438, A replaced by G.
Protein change: p.Thr2480Ala; replaces threonine 2480 with alanine.
Molecular consequence: missense variant.
Genome position (GRCh38, 1-based): chr12:40,367,053, A>G. VCF-style: chr12-40367053-A-G. GRCh37 (hg19) VCF-style: chr12-40760855-A-G.
Other names: short protein forms T2480A.
Identifiers: ClinVar variation 1758909 (VCV001758909.2), dbSNP rs2500058555, ClinGen allele CA384415810.

ClinVar aggregate classification (germline): Uncertain significance (1 of 4 stars; one submission).

Conditions:
Inborn genetic diseases. Identifiers: MedGen C0950123, MeSH D030342.

Submission:

Ambry Genetics
Classification: Uncertain significance for Inborn genetic diseases. Last evaluated: 2022-05-04. Review status: criteria provided, single submitter. Criteria: Ambry Variant Classification Scheme 2023. Collection method: clinical testing. Allele origin: germline.
Comment: The p.T2480A variant (also known as c.7438A>G), located in coding exon 50 of the LRRK2 gene, results from an A to G substitution at nucleotide position 7438. The threonine at codon 2480 is replaced by alanine, an amino acid with similar properties. This amino acid position is conserved. In addition, this alteration is predicted to be tolerated by in silico analysis. Since supporting evidence is limited at this time, the clinical significance of this alteration remains unclear.